The following is an entry in ClinVar:

NM_133642.5(LARGE1):c.-397C>G

Gene: LARGE1 (LARGE xylosyl- and glucuronyltransferase 1; minus strand). Cytogenetic location: 22q12.3.
Variant type: single nucleotide variant.
Coding change: c.-397C>G on transcript NM_133642.5 (MANE Select); 397 bases upstream of the start codon, C replaced by G.
Molecular consequence: 5 prime UTR variant. On other transcripts: intron variant (5).
Genome position (GRCh38, 1-based): chr22:33,920,309, G>C on the plus strand (C>G on the coding strand, the complement: LARGE1 is on the minus strand). VCF-style: chr22-33920309-G-C. GRCh37 (hg19) VCF-style: chr22-34316297-G-C.
Other names: c.-397C>G (NM_001378628.1, NM_001378629.1); c.-460C>G (NM_004737.7); c.-83+2312C>G (NM_001362953.2); c.-146+2312C>G (NM_001362949.2); c.-83+2168C>G (NM_001378627.1, NM_001362951.2); c.-146+2168C>G (NM_001378624.1).
Identifiers: ClinVar variation 341453 (VCV000341453.6), dbSNP rs114106875, ClinGen allele CA10645416.

ClinVar aggregate classification (germline): Benign. Review status: criteria provided, multiple submitters, no conflicts (2 of 4 stars). 3 submissions from 2 submitters: Benign (3). Last evaluated 2018-01-13.

Conditions:
Muscular dystrophy-dystroglycanopathy (congenital with brain and eye anomalies), type A6. Also called: MUSCULAR DYSTROPHY-DYSTROGLYCANOPATHY (CONGENITAL WITH BRAIN AND EYE ANOMALIES), TYPE A, 6; WALKER-WARBURG SYNDROME OR MUSCLE-EYE-BRAIN DISEASE, LARGE-RELATED. Identifiers: Orphanet 588, Orphanet 899, MedGen C3150414, MONDO:0013158, OMIM 613154.
Muscular dystrophy-dystroglycanopathy type B6 (MDDGB6). Also called: MUSCULAR DYSTROPHY, CONGENITAL, LARGE-RELATED; MUSCULAR DYSTROPHY, CONGENITAL, TYPE 1D; MUSCULAR DYSTROPHY-DYSTROGLYCANOPATHY (CONGENITAL WITH IMPAIRED INTELLECTUAL DEVELOPMENT), TYPE B, 6. Identifiers: MedGen C1837229, MONDO:0012138, OMIM 608840.

Allele frequency attached by ClinVar (database versions not stated): 1000 Genomes Project 0.03914; 1000 Genomes Project 30x 0.04060; gnomAD exomes 0.05392; gnomAD 0.07065 and 0.07319; TOPMed 0.07246.
gnomAD v4.1: 10,747 of 152,410 alleles (7.1%); highest among the groups gnomAD compares: Middle Eastern, 8.7%; 425 homozygotes.

Submissions (3):

Illumina Laboratory Services, Illumina
Classification: Benign for Muscular dystrophy-dystroglycanopathy type B6. Last evaluated: 2018-01-13. Review status: criteria provided, single submitter. Criteria: ICSL Variant Classification Criteria 13 December 2019. Collection method: clinical testing. Allele origin: germline.
Comment: This variant was observed in the ICSL laboratory as part of a predisposition screen in an ostensibly healthy population. It had not been previously curated by ICSL or reported in the Human Gene Mutation Database (HGMD: prior to June 1st, 2018), and was therefore a candidate for classification through an automated scoring system. Utilizing variant allele frequency, disease prevalence and penetrance estimates, and inheritance mode, an automated score was calculated to assess if this variant is too frequent to cause the disease. Based on the score and internal cut-off values, a variant classified as benign is not then subjected to further curation. The score for this variant resulted in a classification of benign for this disease.

Illumina Laboratory Services, Illumina
Classification: Benign for Muscular dystrophy-dystroglycanopathy (congenital with brain and eye anomalies), type A6. Last evaluated: 2018-01-13. Review status: criteria provided, single submitter. Criteria: ICSL Variant Classification Criteria 13 December 2019. Collection method: clinical testing. Allele origin: germline.
Comment: the same text as in the submission from Illumina Laboratory Services, Illumina above.

Breakthrough Genomics
Classification: Benign. Review status: criteria provided, single submitter. Criteria: ACMG Guidelines, 2015. Collection method: not provided. Allele origin: germline. Inheritance: Autosomal recessive inheritance. Affected: yes.